The following is an entry in ClinVar:

ClinVar aggregate classification (germline): Pathogenic. Review status: criteria provided, multiple submitters, no conflicts (2 of 4 stars). 5 submissions from 5 submitters: Pathogenic (5). Last evaluated 2024-01-25.

Conditions:
Hereditary cancer-predisposing syndrome. Also called: Hereditary Cancer Syndrome; Neoplastic Syndromes, Hereditary; Hereditary neoplastic syndrome; Tumor predisposition. Identifiers: Orphanet 140162, MedGen C0027672, MeSH D009386, MONDO:0015356.
Hereditary leiomyomatosis and renal cell cancer. Also called: Familial leiomyomatosis; MULTIPLE CUTANEOUS AND UTERINE LEIOMYOMATA 1, WITH OR WITHOUT RENAL CELL CARCINOMA; FH tumor predisposition syndrome; LEIOMYOMA, MULTIPLE CUTANEOUS; Reed syndrome; Multiple cutaneous and uterine leiomyomatosis. Identifiers: Orphanet 523, MedGen C1708350, MONDO:0007888, OMIM 150800, HP:0007437. Disease mechanism: loss of function.

Allele frequency attached by ClinVar (database versions not stated): gnomAD 0.00001.
gnomAD v4.1: 2 of 1,613,020 alleles (0.00012%); highest among the groups gnomAD compares: African/African-American, 0.0027%; no homozygotes.

Submissions (5):

Labcorp Genetics (formerly Invitae), Labcorp
Classification: Pathogenic. Last evaluated: 2024-01-25. Review status: criteria provided, single submitter. Criteria: Invitae Variant Classification Sherloc (09022015). Collection method: clinical testing. Allele origin: germline.
Comment: This sequence change creates a premature translational stop signal (p.Ser187*) in the FH gene. It is expected to result in an absent or disrupted protein product. Loss-of-function variants in FH are known to be pathogenic (PMID: 11865300, 21398687). This variant is present in population databases (rs398123166, gnomAD 0.007%). This premature translational stop signal has been observed in individual(s) with renal papillary cell carcinoma (PMID: 36451132; Invitae). ClinVar contains an entry for this variant (Variation ID: 92456). For these reasons, this variant has been classified as Pathogenic.

Myriad Genetics, Inc.
Classification: Pathogenic for Hereditary leiomyomatosis and renal cell cancer. Last evaluated: 2023-07-05. Review status: criteria provided, single submitter. Criteria: Myriad Autosomal Dominant, Autosomal Recessive and X-Linked Classification Criteria (2023). Collection method: clinical testing. Allele origin: unknown.
Comment: This variant is considered pathogenic. This variant creates a termination codon and is predicted to result in premature protein truncation.

Ambry Genetics
Classification: Pathogenic for Hereditary cancer-predisposing syndrome. Last evaluated: 2022-11-30. Review status: criteria provided, single submitter. Criteria: Ambry Variant Classification Scheme 2023. Collection method: clinical testing. Allele origin: germline.
Comment: The p.S187* pathogenic mutation (also known as c.560C>G), located in coding exon 5 of the FH gene, results from a C to G substitution at nucleotide position 560. This changes the amino acid from a serine to a stop codon within coding exon 5. This alteration is expected to result in loss of function by premature protein truncation or nonsense-mediated mRNA decay. As such, this alteration is interpreted as a disease-causing mutation.

Genomic Diagnostic Laboratory, Division of Genomic Diagnostics, Children's Hospital of Philadelphia
Classification: Pathogenic for Hereditary leiomyomatosis and renal cell cancer. Last evaluated: 2017-01-17. Review status: criteria provided, single submitter. Criteria: DGD Variant Analysis Guidelines. Collection method: clinical testing. Allele origin: germline. Affected: yes. Observed: 1 variant allele.
Comment: Clinical Testing

Eurofins Ntd Llc (ga)
Classification: Pathogenic. Last evaluated: 2012-11-15. Review status: criteria provided, single submitter. Criteria: EGL Classification Definitions 2015. Collection method: clinical testing. Allele origin: germline. Observed: 1 variant allele, 1 heterozygote.

Literature cited by the submitters: PubMed 11865300 (cited by Labcorp Genetics (formerly Invitae), Labcorp); PubMed 21398687 (cited by Labcorp Genetics (formerly Invitae), Labcorp); PubMed 36451132 (cited by Labcorp Genetics (formerly Invitae), Labcorp).

NM_000143.4(FH):c.560C>G (p.Ser187Ter)

Gene: FH (fumarate hydratase; minus strand). Cytogenetic location: 1q43.
Variant type: single nucleotide variant.
Coding change: c.560C>G on transcript NM_000143.4 (MANE Select); coding-DNA position 560, C replaced by G.
Protein change: p.Ser187Ter; replaces serine 187 with a stop codon.
Molecular consequence: nonsense.
Genome position (GRCh38, 1-based): chr1:241,508,781, G>C on the plus strand (C>G on the coding strand, the complement: FH is on the minus strand). VCF-style: chr1-241508781-G-C. GRCh37 (hg19) VCF-style: chr1-241672081-G-C.
Other names: [p.Ser187*]; short protein forms S187*.
Identifiers: ClinVar variation 92456 (VCV000092456.22), dbSNP rs398123166, ClinGen allele CA220384.